The following is an entry in ClinVar:

NM_032119.4(ADGRV1):c.6620A>G (p.Asn2207Ser)

Gene: ADGRV1 (adhesion G protein-coupled receptor V1; plus strand). Cytogenetic location: 5q14.3.
Variant type: single nucleotide variant.
Coding change: c.6620A>G on transcript NM_032119.4 (MANE Select); coding-DNA position 6620, A replaced by G.
Protein change: p.Asn2207Ser; replaces asparagine 2207 with serine.
Molecular consequence: missense variant. On other transcripts: non-coding transcript variant (1).
Genome position (GRCh38, 1-based): chr5:90,689,990, A>G. VCF-style: chr5-90689990-A-G. GRCh37 (hg19) VCF-style: chr5-89985807-A-G.
Other names: short protein forms N2207S.
Identifiers: ClinVar variation 2558172 (VCV002558172.6), dbSNP rs574127323, ClinGen allele CA3339840.

ClinVar aggregate classification (germline): Conflicting classifications of pathogenicity. Review status: criteria provided, conflicting classifications (1 of 4 stars). 3 submissions from 3 submitters: Uncertain significance (2); Likely benign (1). Last evaluated 2025-09-30.

Conditions:
Inborn genetic diseases. Identifiers: MedGen C0950123, MeSH D030342.

Allele frequency attached by ClinVar (database versions not stated): gnomAD 0.00001; ExAC 0.00003; 1000 Genomes Project 30x 0.00031; 1000 Genomes Project 0.00040.
gnomAD v4.1: 5 of 1,607,976 alleles (0.00031%); highest among the groups gnomAD compares: South Asian, 0.0056%; no homozygotes.

Submissions (3):

Women's Health and Genetics/Laboratory Corporation of America, LabCorp
Classification: Uncertain significance. Last evaluated: 2025-09-30. Review status: criteria provided, single submitter. Criteria: LabCorp Variant Classification Summary - May 2015. Collection method: clinical testing. Allele origin: germline.
Comment: Variant summary: ADGRV1 c.6620A>G (p.Asn2207Ser) results in a conservative amino acid change in the encoded protein sequence. Algorithms developed to predict the effect of missense changes on protein structure and function are either unavailable or do not agree on the potential impact of this missense change. The variant allele was found at a frequency of 1.3e-05 in 237626 control chromosomes. The available data on variant occurrences in the general population are insufficient to allow any conclusion about variant significance. To our knowledge, no occurrence of c.6620A>G in individuals affected with ADGRV1-related conditions and no experimental evidence demonstrating its impact on protein function have been reported. ClinVar contains an entry for this variant (Variation ID: 2558172). Based on the evidence outlined above, the variant was classified as uncertain significance.

Labcorp Genetics (formerly Invitae), Labcorp
Classification: Likely benign. Last evaluated: 2024-11-11. Review status: criteria provided, single submitter. Criteria: Invitae Variant Classification Sherloc (09022015). Collection method: clinical testing. Allele origin: germline.

Ambry Genetics
Classification: Uncertain significance for Inborn genetic diseases. Last evaluated: 2023-06-06. Review status: criteria provided, single submitter. Criteria: Ambry Variant Classification Scheme 2023. Collection method: clinical testing. Allele origin: germline.